The following is an entry in ClinVar:

ClinVar aggregate classification (germline): Uncertain significance (1 of 4 stars; one submission).

gnomAD v4.1: 2 of 1,210,129 alleles (0.00017%); highest among the groups gnomAD compares: East Asian, 0.0059%; no homozygotes.

Submission:

GeneDx
Classification: Uncertain significance. Last evaluated: 2022-03-24. Review status: criteria provided, single submitter. Criteria: GeneDx Variant Classification Process June 2021. Collection method: clinical testing. Allele origin: germline. Affected: yes.
Comment: Not observed in large population cohorts (gnomAD); In silico analysis supports that this missense variant does not alter protein structure/function; Has not been previously published as pathogenic or benign to our knowledge

NM_000489.6(ATRX):c.2320G>A (p.Asp774Asn)

Gene: ATRX (ATRX chromatin remodeler; minus strand). Cytogenetic location: Xq21.1.
Variant type: single nucleotide variant.
Coding change: c.2320G>A on transcript NM_000489.6 (MANE Select); coding-DNA position 2320, G replaced by A.
Protein change: p.Asp774Asn; replaces aspartic acid 774 with asparagine.
Molecular consequence: missense variant.
Genome position (GRCh38, 1-based): chrX:77,682,936, C>T on the plus strand (G>A on the coding strand, the complement: ATRX is on the minus strand). VCF-style: chrX-77682936-C-T. GRCh37 (hg19) VCF-style: chrX-76938428-C-T.
Other names: c.2206G>A, p.Asp736Asn (NM_138270.5); short protein forms D736N, D774N.
Identifiers: ClinVar variation 1526297 (VCV001526297.2), dbSNP rs1557139871, ClinGen allele CA413712684.